The following is an entry in ClinVar:

ClinVar aggregate classification (germline): Uncertain significance (1 of 4 stars; one submission).

Conditions:
Primary ciliary dyskinesia. Also called: Ciliary dyskinesia. Identifiers: Orphanet 244, MedGen C0008780, MONDO:0016575, HP:0012265.

Allele frequency attached by ClinVar (database versions not stated): gnomAD exomes 0.00001; ExAC 0.00010; gnomAD 0.00013; 1000 Genomes Project 30x 0.00016; TOPMed 0.00018; ESP Exome Variant Server 0.00038; 1000 Genomes Project 0.00020.
gnomAD v4.1: 39 of 1,562,152 alleles (0.0025%); highest among the groups gnomAD compares: African/African-American, 0.048%; no homozygotes.

Submission:

Labcorp Genetics (formerly Invitae), Labcorp
Classification: Uncertain significance for Primary ciliary dyskinesia. Last evaluated: 2022-09-14. Review status: criteria provided, single submitter. Criteria: Invitae Variant Classification Sherloc (09022015). Collection method: clinical testing. Allele origin: germline.
Comment: This sequence change falls in intron 2 of the DNAAF2 gene. It does not directly change the encoded amino acid sequence of the DNAAF2 protein. It affects a nucleotide within the consensus splice site. This variant is present in population databases (rs377255019, gnomAD 0.02%). This variant has not been reported in the literature in individuals affected with DNAAF2-related conditions. Variants that disrupt the consensus splice site are a relatively common cause of aberrant splicing (PMID: 17576681, 9536098). Algorithms developed to predict the effect of sequence changes on RNA splicing suggest that this variant is not likely to affect RNA splicing. In summary, the available evidence is currently insufficient to determine the role of this variant in disease. Therefore, it has been classified as a Variant of Uncertain Significance.

Literature cited by the submitters: PubMed 17576681; PubMed 9536098.

NM_018139.3(DNAAF2):c.2007+6G>A

Gene: DNAAF2 (dynein axonemal assembly factor 2; minus strand). Cytogenetic location: 14q21.3.
Variant type: single nucleotide variant.
Coding change: c.2007+6G>A on transcript NM_018139.3 (MANE Select); 6 bases into the intron after coding-DNA position 2007, G replaced by A.
Molecular consequence: intron variant.
Genome position (GRCh38, 1-based): chr14:49,628,006, C>T on the plus strand (G>A on the coding strand, the complement: DNAAF2 is on the minus strand). VCF-style: chr14-49628006-C-T. GRCh37 (hg19) VCF-style: chr14-50094724-C-T.
Other names: c.1864-1958G>A (NM_001083908.2); c.-204-1958G>A (NM_001378453.1).
Identifiers: ClinVar variation 1980023 (VCV001980023.1), dbSNP rs377255019, ClinGen allele CA7172778.